The following is an entry in ClinVar:

NM_178012.5(TUBB2B):c.689C>G (p.Ser230Trp)

Gene: TUBB2B (tubulin beta 2B class IIb; minus strand). Cytogenetic location: 6p25.2.
Variant type: single nucleotide variant.
Coding change: c.689C>G on transcript NM_178012.5 (MANE Select); coding-DNA position 689, C replaced by G.
Protein change: p.Ser230Trp; replaces serine 230 with tryptophan.
Molecular consequence: missense variant.
Genome position (GRCh38, 1-based): chr6:3,225,400, G>C on the plus strand (C>G on the coding strand, the complement: TUBB2B is on the minus strand). VCF-style: chr6-3225400-G-C. GRCh37 (hg19) VCF-style: chr6-3225634-G-C.
Other names: short protein forms S230W.
Identifiers: ClinVar variation 4854270 (VCV004854270.1).

ClinVar aggregate classification (germline): Uncertain significance (1 of 4 stars; one submission).

Conditions:
Complex cortical dysplasia with other brain malformations 7. Identifiers: Orphanet 300573, MedGen C3552236, MONDO:0012399, OMIM 610031.

Submission:

3billion
Classification: Uncertain significance for Complex cortical dysplasia with other brain malformations 7. Last evaluated: 2025-12-03. Review status: criteria provided, single submitter. Criteria: ACMG Guidelines, 2015. Collection method: clinical testing. Allele origin: germline. Affected: yes.
Comment: The variant is not observed in the gnomAD v4.1.0 dataset. Predicted Consequence/Location: Missense variant. Missense changes are a common disease-causing mechanism. In silico tool predictions suggest damaging effect of the variant on gene or gene product [REVEL: 0.81 (>=0.6, sensitivity 0.68 and specificity 0.92); 3Cnet: 0.99 (> 0.75, sensitivity 0.96 and precision 0.92)]. Therefore, this variant is classified as VUS according to the recommendation of ACMG/AMP guideline.